The following is an entry in ClinVar:

NM_001122630.2(CDKN1C):c.748_749del (p.Gly250fs)

Gene: CDKN1C (cyclin dependent kinase inhibitor 1C; minus strand). Cytogenetic location: 11p15.4.
Variant type: Deletion.
Coding change: c.748_749del on transcript NM_001122630.2 (MANE Select); coding-DNA positions 748 to 749, 2 bases deleted (GG; older notation c.748_749delGG).
Protein change: p.Gly250fs; shifts the reading frame from glycine 250.
Molecular consequence: frameshift variant. On other transcripts: intron variant (1).
Genome position (GRCh38, 1-based): chr11:2,884,708-2,884,709, CC deleted on the plus strand (GG on the coding strand, the reverse complement: CDKN1C is on the minus strand). VCF-style (leftmost placement, unchanged base first): chr11-2884707-GCC-G. GRCh37 (hg19) VCF-style: chr11-2905937-GCC-G.
Other names: c.781_782del, p.Gly261fs (NM_000076.2, NM_001362474.2); c.748_749del, p.Gly250fs (NM_001122631.2); c.255+493_255+494del (NM_001362475.2); short protein forms G250fs, G261fs.
Identifiers: ClinVar variation 1076545 (VCV001076545.7), dbSNP rs2133782104, ClinGen allele CA2499220882.

ClinVar aggregate classification (germline): Pathogenic (1 of 4 stars; one submission).

Conditions:
Beckwith-Wiedemann syndrome (BWS). Also called: EMG SYNDROME; Exomphalos macroglossia gigantism syndrome. Identifiers: Orphanet 116, MedGen C0004903, MONDO:0007534, OMIM 130650.

Submission:

Labcorp Genetics (formerly Invitae), Labcorp
Classification: Pathogenic for Beckwith-Wiedemann syndrome. Last evaluated: 2025-10-11. Review status: criteria provided, single submitter. Criteria: Invitae Variant Classification Sherloc (09022015). Collection method: clinical testing. Allele origin: germline.
Comment: This sequence change creates a premature translational stop signal (p.Gly261Argfs*24) in the CDKN1C gene. It is expected to result in an absent or disrupted protein product. Loss-of-function variants in CDKN1C are known to be pathogenic (PMID: 20503313). This variant is not present in population databases (gnomAD no frequency). This variant has not been reported in the literature in individuals affected with CDKN1C-related conditions. ClinVar contains an entry for this variant (Variation ID: 1076545). For these reasons, this variant has been classified as Pathogenic.

Literature cited by the submitters: PubMed 20503313.